The following is an entry in ClinVar:

ClinVar aggregate classification (germline): Uncertain significance (1 of 4 stars; one submission).

Submission:

Labcorp Genetics (formerly Invitae), Labcorp
Classification: Uncertain significance. Last evaluated: 2023-09-26. Review status: criteria provided, single submitter. Criteria: Invitae Variant Classification Sherloc (09022015). Collection method: clinical testing. Allele origin: germline.
Comment: This sequence change creates a premature translational stop signal (p.Tyr295*) in the GUF1 gene. It is expected to result in an absent or disrupted protein product. However, the current clinical and genetic evidence is not sufficient to establish whether loss-of-function variants in GUF1 cause disease. This variant is not present in population databases (gnomAD no frequency). This variant has not been reported in the literature in individuals affected with GUF1-related conditions. In summary, the available evidence is currently insufficient to determine the role of this variant in disease. Therefore, it has been classified as a Variant of Uncertain Significance.

NM_021927.3(GUF1):c.884dup (p.Tyr295Ter)

Gene: GUF1 (GTP binding elongation factor GUF1; plus strand). Cytogenetic location: 4p12.
Variant type: Duplication.
Coding change: c.884dup on transcript NM_021927.3 (MANE Select); coding-DNA position 884, one base duplicated (A; older notation c.884dupA).
Protein change: p.Tyr295Ter; replaces tyrosine 295 with a stop codon.
Molecular consequence: nonsense. On other transcripts: 5 prime UTR variant (2).
Genome position (GRCh38, 1-based): chr4:44,686,659, A duplicated. VCF-style (leftmost placement, unchanged base first): chr4-44686658-T-TA. GRCh37 (hg19) VCF-style: chr4-44688675-T-TA.
Other names: c.-89dup (NM_001345867.2, NM_001345869.2); c.884dup, p.Tyr295Ter (NM_001345868.2); short protein forms Y295*.
Identifiers: ClinVar variation 2763357 (VCV002763357.3), dbSNP rs2545498472, ClinGen allele CA2697546688.
Genomic context (GRCh38, chr4:44,686,658, plus strand): 5'-TTATTTGACGGAGTGGTTTCCAAAGGAGATAAAATTGTATCTGCACATACTCAAAAGACA[T>TA]ACGAAGTTAATGAAGTAGGAGTCTTGAATCCTAATGAGCAGCCAACTCATAAATTGTAAG-3'